The following is an entry in ClinVar:

ClinVar aggregate classification (germline): Pathogenic (1 of 4 stars; one submission).

Conditions:
Incontinentia pigmenti syndrome (IP). Also called: BLOCH-SULZBERGER SYNDROME; INCONTINENTIA PIGMENTI, FAMILIAL MALE-LETHAL TYPE; INCONTINENTIA PIGMENTI, TYPE II; Incontinentia Pigmenti. Identifiers: Orphanet 464, MedGen C0021171, MONDO:0010631, OMIM 308300.

Submission:

Women's Health and Genetics/Laboratory Corporation of America, LabCorp
Classification: Pathogenic for Incontinentia pigmenti syndrome. Last evaluated: 2026-04-17. Review status: criteria provided, single submitter. Criteria: LabCorp Variant Classification Summary - May 2015. Collection method: clinical testing. Allele origin: germline.
Comment: Variant summary: IKBKG c.805C>T (p.Gln269X) results in a premature termination codon, predicted to cause a truncation of the encoded protein or absence of the protein due to nonsense mediated decay, which are commonly known mechanisms for disease. The variant was absent in 316099 control chromosomes (gnomAD). To our knowledge, no occurrence of c.805C>T in individuals affected with IKBKG-related conditions and no experimental evidence demonstrating its impact on protein function have been reported. No submitters have cited clinical-significance assessments for this variant to ClinVar. Based on the evidence outlined above, the variant was classified as pathogenic for Xlinked dominant inheritance Incontinentia Pigmenti.

NM_001099857.5(IKBKG):c.805C>T (p.Gln269Ter)

Gene: IKBKG (inhibitor of nuclear factor kappa B kinase regulatory subunit gamma; plus strand). Cytogenetic location: Xq28.
Variant type: single nucleotide variant.
Coding change: c.805C>T on transcript NM_001099857.5 (MANE Select); coding-DNA position 805, C replaced by T.
Protein change: p.Gln269Ter; replaces glutamine 269 with a stop codon.
Molecular consequence: nonsense. On other transcripts: non-coding transcript variant (1), intron variant (1).
Genome position (GRCh38, 1-based): chrX:154,562,846, C>T. VCF-style: chrX-154562846-C-T. GRCh37 (hg19) VCF-style: chrX-153791061-C-T.
Other names: c.1009C>T, p.Gln337Ter (NM_001099856.6); c.805C>T, p.Gln269Ter (NM_001321396.3, NM_001377312.1, NM_003639.4); c.802C>T, p.Gln268Ter (NM_001321397.3, NM_001377313.1); c.649C>T, p.Gln217Ter (NM_001377314.1); c.436C>T, p.Gln146Ter (NM_001377315.1); c.616-713C>T (NM_001145255.4); short protein forms Q146*, Q217*, Q268*, Q269*, Q337*.
Identifiers: ClinVar variation 4848452 (VCV004848452.1).